The following is an entry in ClinVar:

ClinVar aggregate classification (germline): Uncertain significance (1 of 4 stars; one submission).

Submission:

Labcorp Genetics (formerly Invitae), Labcorp
Classification: Uncertain significance. Last evaluated: 2022-11-10. Review status: criteria provided, single submitter. Criteria: Invitae Variant Classification Sherloc (09022015). Collection method: clinical testing. Allele origin: germline.
Comment: This variant, c.901_903del, results in the deletion of 1 amino acid(s) of the IKZF1 protein (p.Lys301del), but otherwise preserves the integrity of the reading frame. This variant is present in population databases (no rsID available, gnomAD 0.06%). This variant has not been reported in the literature in individuals affected with IKZF1-related conditions. Experimental studies and prediction algorithms are not available or were not evaluated, and the functional significance of this variant is currently unknown. In summary, the available evidence is currently insufficient to determine the role of this variant in disease. Therefore, it has been classified as a Variant of Uncertain Significance.

NM_006060.6(IKZF1):c.901_903del (p.Lys301del)

Gene: IKZF1 (IKAROS family zinc finger 1; plus strand). Cytogenetic location: 7p12.2.
Variant type: Deletion.
Coding change: c.901_903del on transcript NM_006060.6 (MANE Select); coding-DNA positions 901 to 903, 3 bases deleted (AAG; older notation c.901_903delAAG).
Protein change: p.Lys301del; deletes lysine 301.
Molecular consequence: inframe deletion.
Genome position (GRCh38, 1-based): chr7:50,399,968-50,399,970, AAG deleted; deleting any 3 consecutive bases within chr7:50,399,966-50,399,970 gives the same sequence; the c. name uses the placement nearest the transcript's 3' end. VCF-style (leftmost placement, unchanged base first): chr7-50399965-GAGA-G. GRCh37 (hg19) VCF-style: chr7-50467663-GAGA-G.
Other names: c.775_777del, p.Lys259del (NM_001220765.3, NM_001291837.2); c.610_612del, p.Lys204del (NM_001220767.2); c.640_642del, p.Lys214del (NM_001220768.2, NM_001291838.2); c.484_486del, p.Lys162del (NM_001220770.2); c.472_474del, p.Lys158del (NM_001220771.2, NM_001291841.1); c.442_444del, p.Lys148del (NM_001291842.1); c.346_348del, p.Lys116del (NM_001291843.1); c.316_318del, p.Lys106del (NM_001291844.1); and 3 more; short protein forms K148del, K214del, K301del, K172del, K204del, K259del, K158del, K162del.
Identifiers: ClinVar variation 2800434 (VCV002800434.3), dbSNP rs1445699305, ClinGen allele CA574291900.